The following is an entry in ClinVar:

ClinVar aggregate classification (germline): Uncertain significance (1 of 4 stars; one submission).

Conditions:
Polycystic kidney disease, adult type (PKD1). Also called: Polycystic Kidney, Autosomal Dominant; POLYCYSTIC KIDNEY DISEASE 1 WITH OR WITHOUT POLYCYSTIC LIVER DISEASE; POLYCYSTIC KIDNEY DISEASE, ADULT, TYPE I; Polycystic Kidney Disease 1, Autosomal Dominant; Polycystic kidney disease 1; Polycystic kidney disease 1, severe. Identifiers: MedGen C3149841, MONDO:0008263, OMIM 173900.

Submission:

Institute of Human Genetics, University of Leipzig Medical Center
Classification: Uncertain significance for Polycystic kidney disease, adult type. Last evaluated: 2024-08-08. Review status: criteria provided, single submitter. Criteria: ACMG Guidelines, 2015. Collection method: clinical testing. Allele origin: unknown. Inheritance: Autosomal dominant inheritance. Affected: yes.
Comment: Criteria applied: PVS1_MOD,PM2;PP4

NM_001009944.3:c.(9201+1_9398-1)_(10050+1_10051-1)del

Gene: PKD1 (polycystin 1, transient receptor potential channel interacting; minus strand).
Variant type: Deletion.
Other names: c.(9201+1_9398-1)_(10050+1_10051-1)del (NM_001009944.3).
Identifiers: ClinVar variation 3359043 (VCV003359043.2).